The following is an entry in ClinVar:

ClinVar aggregate classification (germline): Pathogenic (0 of 4 stars; one submission).

Conditions:
Steinert myotonic dystrophy syndrome (DM1). Also called: STEINERT DISEASE; Myotonic dystrophy type 1; Dystrophia myotonica type 1; Steinert myotonic dystrophy; Steinert's disease. Identifiers: Orphanet 273, MedGen C3250443, MONDO:0008056, OMIM 160900.

Submission:

Institute of Molecular, Cell and Systems Biology, University of Glasgow
Classification: Pathogenic for Steinert myotonic dystrophy syndrome. Review status: no assertion criteria provided. Criteria: research. Collection method: research. Allele origin: germline. Inheritance: Autosomal dominant inheritance. Affected: no. Observed: 1 heterozygote.
Comment: DMPK CTG repeat expansions greater than approximately 45-50 repeats are assumed to be pathogenic

This record is based on data published in PubMed 25052313, which reports only ClinVar accessions SCV000120188 and SCV000120189. The complete data set includes SCV000207445 - SCV000207579.

Literature cited by the submitters: PubMed 1346923; PubMed 1546326; PubMed 25052313.

NM_004409.5(DMPK):c.*224CTG[376]

Genes: DM1-AS (DM1 locus antisense RNA; plus strand), DMPK (DM1 protein kinase; minus strand), LOC107075317 (origin of replication in DMPK trinucleotide repeat region; plus strand), LOC109461477 (dystrophia myotonica protein kinase repeat instability region; plus strand). Cytogenetic location: 19q13.32.
Variant type: Microsatellite.
Coding change: c.*224CTG[376] on transcript NM_004409.5 (MANE Select); 376 copies in a row of the 3-base unit CTG starting at c.*224.
Molecular consequence: 3 prime UTR variant.
Genome position: GRCh38, VCF-style position (the base before the change): chr19:45,770,204. GRCh37 (hg19), VCF-style position (the base before the change): chr19:46,273,462.
Other names: DM1 CTG repeat expansion; c.*217CTG[376] (NM_001424163.1, NM_001424166.1, NM_001081562.3 and 2 more transcripts); c.*369CTG[376] (NM_001424164.1, NM_001424168.1, NM_001288766.2); c.*224CTG[376] (NM_001424165.1, NM_001424169.1, NM_001081560.3 and 1 more transcripts); c.*222_*224TGC[376] (NM_001081563.3).
Identifiers: ClinVar variation 187972 (VCV000187972.1), ClinGen allele CA915951782.